The following is an entry in ClinVar:

NM_198525.3(KIF7):c.3511_3512del (p.Asp1173fs)

Genes: KIF7 (kinesin family member 7; minus strand), LOC126862216 (BRD4-independent group 4 enhancer GRCh37_chr15:90171995-90173194; plus strand). Cytogenetic location: 15q26.1.
Variant type: Microsatellite.
Coding change: c.3511_3512del on transcript NM_198525.3 (MANE Select); coding-DNA positions 3511 to 3512, 2 bases deleted (AG; older notation c.3511_3512delAG).
Protein change: p.Asp1173fs; shifts the reading frame from aspartic acid 1173.
Molecular consequence: frameshift variant.
Genome position (GRCh38, 1-based): chr15:89,629,380-89,629,381, CT deleted on the plus strand (AG on the coding strand, the reverse complement: KIF7 is on the minus strand); deleting any 2 consecutive bases within chr15:89,629,380-89,629,383 gives the same sequence; the c. name uses the placement nearest the transcript's 3' end. VCF-style (leftmost placement, unchanged base first): chr15-89629379-ACT-A. GRCh37 (hg19) VCF-style: chr15-90172610-ACT-A.
Other names: c.3511_3512delAG (NM_198525.3); short protein forms D1173fs.
Identifiers: ClinVar variation 4887706 (VCV004887706.1).

ClinVar aggregate classification (germline): Pathogenic (1 of 4 stars; one submission).

Conditions:
Acrocallosal syndrome (ACLS). Also called: HALLUX DUPLICATION, POSTAXIAL POLYDACTYLY, AND ABSENCE OF CORPUS CALLOSUM; Schinzel syndrome 1; Absence of corpus callosum with unusual facial appearance, mental deficiency, duplication of the halluces and polydactyly. Identifiers: Orphanet 36, MedGen C0796147, MONDO:0008708, OMIM 200990.

Submission:

Women's Health and Genetics/Laboratory Corporation of America, LabCorp
Classification: Pathogenic for Acrocallosal syndrome. Last evaluated: 2026-06-24. Review status: criteria provided, single submitter. Criteria: LabCorp Variant Classification Summary - May 2015. Collection method: clinical testing. Allele origin: germline.
Comment: Variant summary: KIF7 c.3511_3512delAG (p.Asp1173ProfsX4) results in a premature termination codon, predicted to cause a truncation of the encoded protein or absence of the protein due to nonsense mediated decay, which are commonly known mechanisms for disease. Loss-of-function variants in this gene are known to be pathogenic. The variant was absent in 237746 control chromosomes. To our knowledge, no occurrence of c.3511_3512delAG in individuals affected with KIF7-related conditions and no experimental evidence demonstrating its impact on protein function have been reported. No submitters have cited clinical-significance assessments for this variant to ClinVar. Based on the evidence outlined above, the variant was classified as pathogenic.